The following is an entry in ClinVar:

NM_020631.6(PLEKHG5):c.721del (p.Ser241fs)

Gene: PLEKHG5 (pleckstrin homology and RhoGEF domain containing G5; minus strand). Cytogenetic location: 1p36.31.
Variant type: Deletion.
Coding change: c.721del on transcript NM_020631.6 (MANE Select); coding-DNA position 721, one base deleted (A; older notation c.721delA).
Protein change: p.Ser241fs; shifts the reading frame from serine 241.
Molecular consequence: frameshift variant.
Genome position (GRCh38, 1-based): chr1:6,473,325, T deleted on the plus strand (A on the coding strand, the reverse complement: PLEKHG5 is on the minus strand). VCF-style (leftmost placement, unchanged base first): chr1-6473324-CT-C. GRCh37 (hg19) VCF-style: chr1-6533384-CT-C.
Other names: c.832del, p.Ser278fs (NM_001042663.3, NM_001265592.2); c.721del, p.Ser241fs (NM_001042664.2, NM_001042665.2, NM_001265594.3 and 1 more transcripts); c.928del, p.Ser310fs (NM_001265593.2); short protein forms S241fs, S278fs, S310fs.
Identifiers: ClinVar variation 4850293 (VCV004850293.1).

ClinVar aggregate classification (germline): Likely pathogenic (1 of 4 stars; one submission).

Conditions:
Neuronopathy, distal hereditary motor, autosomal recessive 4. Also called: Autosomal recessive lower motor neuron disease with childhood onset; NEUROPATHY, DISTAL HEREDITARY MOTOR, AUTOSOMAL RECESSIVE 4. Identifiers: Orphanet 206580, MedGen C1970211, MONDO:0012608, OMIM 611067.
Charcot-Marie-Tooth disease recessive intermediate C. Also called: CHARCOT-MARIE-TOOTH NEUROPATHY, RECESSIVE INTERMEDIATE C. Identifiers: Orphanet 369867, MedGen C3809309, MONDO:0014154, OMIM 615376.

Submission:

First Genomix Gene Laboratory, Genetic Diagnostics Department
Classification: Likely pathogenic for Charcot-Marie-Tooth disease recessive intermediate C; Neuronopathy, distal hereditary motor, autosomal recessive 4. Last evaluated: 2025-09-08. Review status: criteria provided, single submitter. Criteria: ACMG Guidelines, 2015. Collection method: clinical testing. Allele origin: germline. Inheritance: Autosomal recessive inheritance. Affected: no. Observed: 1 variant allele.